The following is an entry in ClinVar:

ClinVar aggregate classification (germline): Likely pathogenic (1 of 4 stars; one submission).

Submission:

GeneDx
Classification: Likely pathogenic. Last evaluated: 2017-02-21. Review status: criteria provided, single submitter. Criteria: GeneDx Variant Classification (06012015). Collection method: clinical testing. Allele origin: germline. Affected: yes.
Comment: The S299X variant in the CTNND2 gene has not been reported previously as a pathogenic variant nor as a benign variant, to our knowledge. This variant is predicted to cause loss of normal protein function either through protein truncation or nonsense-mediated mRNA decay. The S299X variant is not observed in large population cohorts (Lek et al., 2016; 1000 Genomes Consortium et al., 2015; Exome Variant Server). Therefore, we interpret S299X as a likely pathogenic variant

NM_001332.4(CTNND2):c.896C>A (p.Ser299Ter)

Gene: CTNND2 (catenin delta 2; minus strand). Cytogenetic location: 5p15.2.
Variant type: single nucleotide variant.
Coding change: c.896C>A on transcript NM_001332.4 (MANE Select); coding-DNA position 896, C replaced by A.
Protein change: p.Ser299Ter; replaces serine 299 with a stop codon.
Molecular consequence: nonsense. On other transcripts: intron variant (3).
Genome position (GRCh38, 1-based): chr5:11,384,946, G>T on the plus strand (C>A on the coding strand, the complement: CTNND2 is on the minus strand). VCF-style: chr5-11384946-G-T. GRCh37 (hg19) VCF-style: chr5-11385058-G-T.
Other names: c.623C>A, p.Ser208Ter (NM_001288715.1); c.-123+12085C>A (NM_001288717.2); c.167-20056C>A (NM_001364128.2, NM_001288716.1); short protein forms S299*, S208*.
Identifiers: ClinVar variation 423559 (VCV000423559.2), dbSNP rs1064796494, ClinGen allele CA16618095.